The following is an entry in ClinVar:

ClinVar aggregate classification (germline): Uncertain significance (1 of 4 stars; one submission).

Submission:

Labcorp Genetics (formerly Invitae), Labcorp
Classification: Uncertain significance. Last evaluated: 2024-08-27. Review status: criteria provided, single submitter. Criteria: Invitae Variant Classification Sherloc (09022015). Collection method: clinical testing. Allele origin: germline.
Comment: This variant, c.220_222dup, results in the insertion of 1 amino acid(s) of the TMC1 protein (p.Arg74dup), but otherwise preserves the integrity of the reading frame. This variant is not present in population databases (gnomAD no frequency). This variant has not been reported in the literature in individuals affected with TMC1-related conditions. In summary, the available evidence is currently insufficient to determine the role of this variant in disease. Therefore, it has been classified as a Variant of Uncertain Significance.

NM_138691.3(TMC1):c.211AGG[5] (p.Arg74_Leu75insArg)

Gene: TMC1 (transmembrane channel like 1; plus strand). Cytogenetic location: 9q21.13.
Variant type: Microsatellite.
Coding change: c.211AGG[5] on transcript NM_138691.3 (MANE Select); five copies in a row of the 3-base unit AGG starting at c.211; the reference has four copies in a row; one copy, 3 bases duplicated.
Protein change: p.Arg74_Leu75insArg.
Genome position (GRCh38, 1-based): chr9:72,694,698-72,694,700, AGG duplicated; duplicating any 3 consecutive bases within chr9:72,694,688-72,694,700 gives the same sequence; the position shown is the placement nearest the transcript's 3' end. VCF-style (leftmost placement, unchanged base first): chr9-72694687-A-AGAG. GRCh37 (hg19) VCF-style: chr9-75309603-A-AGAG.
Identifiers: ClinVar variation 3687309 (VCV003687309.2).